The following is an entry in ClinVar:

NM_001377540.1(SLMAP):c.280C>G (p.Pro94Ala)

Gene: SLMAP (sarcolemma associated protein; plus strand). Cytogenetic location: 3p14.3.
Variant type: single nucleotide variant.
Coding change: c.280C>G on transcript NM_001377540.1 (MANE Select); coding-DNA position 280, C replaced by G.
Protein change: p.Pro94Ala; replaces proline 94 with alanine.
Molecular consequence: missense variant. On other transcripts: non-coding transcript variant (1).
Genome position (GRCh38, 1-based): chr3:57,831,464, C>G. VCF-style: chr3-57831464-C-G. GRCh37 (hg19) VCF-style: chr3-57817191-C-G.
Other names: c.280C>G, p.Pro94Ala (NM_001304420.3, NM_001304421.2, NM_001377538.1 and 17 more transcripts); short protein forms P94A.
Identifiers: ClinVar variation 1796308 (VCV001796308.2), dbSNP rs1295613390, ClinGen allele CA353404246.

ClinVar aggregate classification (germline): Uncertain significance (1 of 4 stars; one submission).

Allele frequency attached by ClinVar (database versions not stated): gnomAD exomes below 0.00001; TOPMed below 0.00001; gnomAD 0.00001.
gnomAD v4.1: 2 of 1,596,034 alleles (0.00013%); highest among the groups gnomAD compares: Non-Finnish European, 0.00017%; no homozygotes.

Submission:

Ambry Genetics
Classification: Uncertain significance. Last evaluated: 2022-09-19. Review status: criteria provided, single submitter. Criteria: Ambry Variant Classification Scheme 2023. Collection method: clinical testing. Allele origin: germline.
Comment: The p.P94A variant (also known as c.280C>G), located in coding exon 2 of the SLMAP gene, results from a C to G substitution at nucleotide position 280. The proline at codon 94 is replaced by alanine, an amino acid with highly similar properties. This amino acid position is conserved. In addition, the in silico prediction for this alteration is inconclusive. Since supporting evidence is limited at this time, the clinical significance of this alteration remains unclear.